The following is an entry in ClinVar:

NM_025243.4(SLC19A3):c.1103A>G (p.Asn368Ser)

Gene: SLC19A3 (solute carrier family 19 member 3; minus strand). Cytogenetic location: 2q36.3.
Variant type: single nucleotide variant.
Coding change: c.1103A>G on transcript NM_025243.4 (MANE Select); coding-DNA position 1103, A replaced by G.
Protein change: p.Asn368Ser; replaces asparagine 368 with serine.
Molecular consequence: missense variant.
Genome position (GRCh38, 1-based): chr2:227,695,958, T>C on the plus strand (A>G on the coding strand, the complement: SLC19A3 is on the minus strand). VCF-style: chr2-227695958-T-C. GRCh37 (hg19) VCF-style: chr2-228560674-T-C.
Other names: c.1103A>G, p.Asn368Ser (NM_001371411.1, NM_001371412.1); c.1091A>G, p.Asn364Ser (NM_001371413.1, NM_001371414.1); short protein forms N368S, N364S.
Identifiers: ClinVar variation 1995552 (VCV001995552.4), dbSNP rs754010837, ClinGen allele CA2149157.

ClinVar aggregate classification (germline): Uncertain significance (1 of 4 stars; one submission).

Conditions:
Biotin-responsive basal ganglia disease (BTBGD). Also called: Thiamine metabolism dysfunction syndrome type 2; Thiamine Transporter-2 Deficiency; Thiamine metabolism dysfunction syndrome 2 (biotin- or thiamine-responsive encephalopathy type 2); thiamine-responsive encephalopathy; THIAMINE METABOLISM DYSFUNCTION SYNDROME 2 (BIOTIN- AND THIAMINE-RESPONSIVE TYPE). Identifiers: Orphanet 199348, Orphanet 65284, MedGen C1843807, MONDO:0011841, OMIM 607483.

Allele frequency attached by ClinVar (database versions not stated): gnomAD exomes below 0.00001; ExAC 0.00002.
gnomAD v4.1: 3 of 1,614,178 alleles (0.00019%); highest among the groups gnomAD compares: Non-Finnish European, 0.000085%; no homozygotes.

Submission:

Labcorp Genetics (formerly Invitae), Labcorp
Classification: Uncertain significance for Biotin-responsive basal ganglia disease. Last evaluated: 2022-05-17. Review status: criteria provided, single submitter. Criteria: Invitae Variant Classification Sherloc (09022015). Collection method: clinical testing. Allele origin: germline.
Comment: This sequence change replaces asparagine, which is neutral and polar, with serine, which is neutral and polar, at codon 368 of the SLC19A3 protein (p.Asn368Ser). In summary, the available evidence is currently insufficient to determine the role of this variant in disease. Therefore, it has been classified as a Variant of Uncertain Significance. Advanced modeling of protein sequence and biophysical properties (such as structural, functional, and spatial information, amino acid conservation, physicochemical variation, residue mobility, and thermodynamic stability) performed at Invitae indicates that this missense variant is not expected to disrupt SLC19A3 protein function. This variant has not been reported in the literature in individuals affected with SLC19A3-related conditions. This variant is present in population databases (rs754010837, gnomAD 0.003%).